The following is an entry in ClinVar:

NM_001166114.2(PNPLA6):c.1606C>T (p.Gln536Ter)

Gene: PNPLA6 (patatin like domain 6, lysophospholipase; plus strand). Cytogenetic location: 19p13.2.
Variant type: single nucleotide variant.
Coding change: c.1606C>T on transcript NM_001166114.2 (MANE Select); coding-DNA position 1606, C replaced by T.
Protein change: p.Gln536Ter; replaces glutamine 536 with a stop codon.
Molecular consequence: nonsense. On other transcripts: intron variant (1).
Genome position (GRCh38, 1-based): chr19:7,543,082, C>T. VCF-style: chr19-7543082-C-T. GRCh37 (hg19) VCF-style: chr19-7607968-C-T.
Other names: c.1633C>T, p.Gln545Ter (NM_001166111.2); c.1489C>T, p.Gln497Ter (NM_001166113.1, NM_006702.5); c.1413+154C>T (NM_001166112.2); short protein forms Q497*, Q536*, Q545*.
Identifiers: ClinVar variation 1452950 (VCV001452950.6), dbSNP rs1416173690, ClinGen allele CA403115199.

ClinVar aggregate classification (germline): Pathogenic (1 of 4 stars; one submission).

Conditions:
Hereditary spastic paraplegia 39 (SPG39). Also called: Spastic Paraplegia Type 39 (SPG39); SPASTIC PARAPLEGIA 39, AUTOSOMAL RECESSIVE. Identifiers: Orphanet 139480, MedGen C2677586, MONDO:0012787, OMIM 612020.

Allele frequency attached by ClinVar (database versions not stated): gnomAD exomes below 0.00001.
gnomAD v4.1: 2 of 1,613,680 alleles (0.00012%); highest among the groups gnomAD compares: Non-Finnish European, 0.00017%; no homozygotes.

Submission:

Labcorp Genetics (formerly Invitae), Labcorp
Classification: Pathogenic for Hereditary spastic paraplegia 39. Last evaluated: 2021-03-09. Review status: criteria provided, single submitter. Criteria: Invitae Variant Classification Sherloc (09022015). Collection method: clinical testing. Allele origin: germline.
Comment: For these reasons, this variant has been classified as Pathogenic. This variant has not been reported in the literature in individuals with PNPLA6-related conditions. This variant is not present in population databases (ExAC no frequency). This sequence change creates a premature translational stop signal (p.Gln497*) in the PNPLA6 gene. It is expected to result in an absent or disrupted protein product. Loss-of-function variants in PNPLA6 are known to be pathogenic (PMID: 24355708).

Literature cited by the submitters: PubMed 24355708.